The following is an entry in ClinVar:

ClinVar aggregate classification (germline): Uncertain significance (1 of 4 stars; one submission).

Conditions:
LEPR-related disorder. Also called: LEPR-related condition; LEPR-related disorders.

Submission:

PreventionGenetics, part of Exact Sciences
Classification: Uncertain significance for LEPR-related condition. Last evaluated: 2025-10-30. Review status: criteria provided, single submitter. Criteria: ACMG Guidelines, 2015. Collection method: clinical testing. Allele origin: germline.
Comment: The LEPR c.1097T>C variant is predicted to result in the amino acid substitution p.Ile366Thr. This variant was observed in a cohort of individuals with obesity, and in vitro functional studies showed function similar to wild-type levels (Supplemental Data Set, Shah et al. 2023. PubMed ID: 36864747). To our knowledge, this variant has not been reported in a large population database (gnomAD), indicating this variant is rare. At this time, the clinical significance of this variant is uncertain due to the absence of conclusive functional and genetic evidence.

NM_002303.6(LEPR):c.1097T>C (p.Ile366Thr)

Gene: LEPR (leptin receptor; plus strand). Cytogenetic location: 1p31.3.
Variant type: single nucleotide variant.
Coding change: c.1097T>C on transcript NM_002303.6 (MANE Select); coding-DNA position 1097, T replaced by C.
Protein change: p.Ile366Thr; replaces isoleucine 366 with threonine.
Molecular consequence: missense variant.
Genome position (GRCh38, 1-based): chr1:65,601,494, T>C. VCF-style: chr1-65601494-T-C. GRCh37 (hg19) VCF-style: chr1-66067177-T-C.
Other names: c.1097T>C, p.Ile366Thr (NM_001003679.3, NM_001003680.3, NM_001198687.2 and 2 more transcripts); short protein forms I366T.
Identifiers: ClinVar variation 4991896 (VCV004991896.1).